The following is an entry in ClinVar:

NM_004329.3(BMPR1A):c.776C>A (p.Ala259Glu)

Gene: BMPR1A (bone morphogenetic protein receptor type 1A; plus strand). Cytogenetic location: 10q23.2.
Variant type: single nucleotide variant.
Coding change: c.776C>A on transcript NM_004329.3 (MANE Select); coding-DNA position 776, C replaced by A.
Protein change: p.Ala259Glu; replaces alanine 259 with glutamic acid.
Molecular consequence: missense variant.
Genome position (GRCh38, 1-based): chr10:86,917,234, C>A. VCF-style: chr10-86917234-C-A. GRCh37 (hg19) VCF-style: chr10-88676991-C-A.
Other names: short protein forms A259E.
Identifiers: ClinVar variation 827247 (VCV000827247.5), dbSNP rs905457708, ClinGen allele CA377457929.

ClinVar aggregate classification (germline): Uncertain significance (1 of 4 stars; one submission).

Conditions:
Hereditary cancer-predisposing syndrome. Also called: Tumor predisposition; Neoplastic Syndromes, Hereditary; Hereditary neoplastic syndrome; Hereditary Cancer Syndrome. Identifiers: Orphanet 140162, MedGen C0027672, MeSH D009386, MONDO:0015356.

Submission:

Ambry Genetics
Classification: Uncertain significance for Hereditary cancer-predisposing syndrome. Last evaluated: 2026-04-15. Review status: criteria provided, single submitter. Criteria: Ambry Variant Classification Scheme 2023. Collection method: clinical testing. Allele origin: germline.
Comment: The p.A259E variant (also known as c.776C>A), located in coding exon 7 of the BMPR1A gene, results from a C to A substitution at nucleotide position 776. The alanine at codon 259 is replaced by glutamic acid, an amino acid with dissimilar properties. This amino acid position is highly conserved in available vertebrate species. In addition, this alteration is predicted to be deleterious by in silico analysis. Based on the available evidence, the clinical significance of this variant remains unclear.